The following is an entry in ClinVar:

ClinVar aggregate classification (germline): Benign/Likely benign. Review status: criteria provided, multiple submitters, no conflicts (2 of 4 stars). 2 submissions from 2 submitters: Benign (1); Likely benign (1). Last evaluated 2025-05-14.

Conditions:
Christianson syndrome (MRXSCH). Also called: SLC9A6-Related Syndromic Mental Retardation; X-linked mental retardation, syndromic, Christianson type; INTELLECTUAL DEVELOPMENTAL DISORDER, X-LINKED, SYNDROMIC, CHRISTIANSON TYPE. Identifiers: Orphanet 85278, MedGen C2678194, MONDO:0010278, OMIM 300243.

Allele frequency attached by ClinVar (database versions not stated): ExAC 0.00001; gnomAD 0.00001 and 0.00002; gnomAD exomes 0.00001; TOPMed 0.00001; 1000 Genomes Project 30x 0.00021; 1000 Genomes Project 0.00026.
gnomAD v4.1: 12 of 1,208,985 alleles (0.00099%); highest among the groups gnomAD compares: African/African-American, 0.0052%; no homozygotes.

Submissions (2):

Labcorp Genetics (formerly Invitae), Labcorp
Classification: Likely benign for Christianson syndrome. Last evaluated: 2025-05-14. Review status: criteria provided, single submitter. Criteria: Invitae Variant Classification Sherloc (09022015). Collection method: clinical testing. Allele origin: germline.

GeneDx
Classification: Benign. Last evaluated: 2012-04-27. Review status: criteria provided, single submitter. Criteria: GeneDx Variant Classification (06012015). Collection method: clinical testing. Allele origin: germline. Affected: yes.
Comment: This variant is considered likely benign or benign based on one or more of the following criteria: it is a conservative change, it occurs at a poorly conserved position in the protein, it is predicted to be benign by multiple in silico algorithms, and/or has population frequency not consistent with disease.

NM_001379110.1(SLC9A6):c.801G>A (p.Ala267=)

Gene: SLC9A6 (solute carrier family 9 member A6; plus strand). Cytogenetic location: Xq26.3.
Variant type: single nucleotide variant.
Coding change: c.801G>A on transcript NM_001379110.1 (MANE Select); coding-DNA position 801, G replaced by A.
Protein change: p.Ala267=; no amino-acid change (alanine 267 retained).
Molecular consequence: synonymous variant.
Genome position (GRCh38, 1-based): chrX:136,010,499, G>A. VCF-style: chrX-136010499-G-A. GRCh37 (hg19) VCF-style: chrX-135092658-G-A.
Other names: p.A287A:GCG>GCA; c.957G>A, p.Ala319= (NM_001042537.2); c.801G>A, p.Ala267= (NM_001177651.2); c.705G>A, p.Ala235= (NM_001330652.2); c.861G>A, p.Ala287= (NM_006359.3).
Identifiers: ClinVar variation 139202 (VCV000139202.9), dbSNP rs185192141, ClinGen allele CA293614.